The following is an entry in ClinVar:

ClinVar aggregate classification (germline): Uncertain significance (1 of 4 stars; one submission).

Submission:

Ambry Genetics
Classification: Uncertain significance. Last evaluated: 2024-11-08. Review status: criteria provided, single submitter. Criteria: Ambry Variant Classification Scheme 2023. Collection method: clinical testing. Allele origin: germline.
Comment: The p.E425D variant (also known as c.1275A>C), located in coding exon 11 of the BUB1 gene, results from an A to C substitution at nucleotide position 1275. The glutamic acid at codon 425 is replaced by aspartic acid, an amino acid with highly similar properties. This amino acid position is conserved. In addition, this alteration is predicted to be tolerated by in silico analysis. Since supporting evidence is limited at this time, the clinical significance of this alteration remains unclear.

NM_004336.5(BUB1):c.1275A>C (p.Glu425Asp)

Gene: BUB1 (BUB1 mitotic checkpoint serine/threonine kinase; minus strand). Cytogenetic location: 2q13.
Variant type: single nucleotide variant.
Coding change: c.1275A>C on transcript NM_004336.5 (MANE Select); coding-DNA position 1275, A replaced by C.
Protein change: p.Glu425Asp; replaces glutamic acid 425 with aspartic acid.
Molecular consequence: missense variant.
Genome position (GRCh38, 1-based): chr2:110,659,979, T>G on the plus strand (A>C on the coding strand, the complement: BUB1 is on the minus strand). VCF-style: chr2-110659979-T-G. GRCh37 (hg19) VCF-style: chr2-111417556-T-G.
Other names: c.1215A>C, p.Glu405Asp (NM_001278616.2); c.1275A>C, p.Glu425Asp (NM_001278617.2); short protein forms E425D, E405D.
Identifiers: ClinVar variation 1766301 (VCV001766301.3), dbSNP rs2468013341, ClinGen allele CA348213959.